The following is an entry in ClinVar:

ClinVar aggregate classification (germline): Uncertain significance (1 of 4 stars; one submission).

Conditions:
Congenital myasthenic syndrome 4A. Also called: Myasthenic syndrome, congenital, 4a, slow-channel; CONGENITAL MYASTHENIC SYNDROME TYPE Ia1; MYASTHENIC SYNDROME, CONGENITAL, 4A, SLOW-CHANNEL, AUTOSOMAL RECESSIVE. Identifiers: Orphanet 590, MedGen C4225413, MONDO:0011600, OMIM 605809.

Allele frequency attached by ClinVar (database versions not stated): ExAC 0.00003.
gnomAD v4.1: 9 of 1,612,438 alleles (0.00056%); highest among the groups gnomAD compares: South Asian, 0.0077%; no homozygotes.

Submission:

Labcorp Genetics (formerly Invitae), Labcorp
Classification: Uncertain significance for Congenital myasthenic syndrome 4A. Last evaluated: 2025-11-04. Review status: criteria provided, single submitter. Criteria: Invitae Variant Classification Sherloc (09022015). Collection method: clinical testing. Allele origin: germline.
Comment: This sequence change replaces alanine, which is neutral and non-polar, with threonine, which is neutral and polar, at codon 221 of the CHRNE protein (p.Ala221Thr). This variant is present in population databases (rs757240025, gnomAD 0.02%). This variant has not been reported in the literature in individuals affected with CHRNE-related conditions. ClinVar contains an entry for this variant (Variation ID: 1906872). Invitae Evidence Modeling of protein sequence and biophysical properties (such as structural, functional, and spatial information, amino acid conservation, physicochemical variation, residue mobility, and thermodynamic stability) indicates that this missense variant is not expected to disrupt CHRNE protein function with a negative predictive value of 95%. In summary, the available evidence is currently insufficient to determine the role of this variant in disease. Therefore, it has been classified as a Variant of Uncertain Significance.

NM_000080.4(CHRNE):c.661G>A (p.Ala221Thr)

Genes: C17orf107 (chromosome 17 open reading frame 107; plus strand), CHRNE (cholinergic receptor nicotinic epsilon subunit; minus strand). Cytogenetic location: 17p13.2.
Variant type: single nucleotide variant.
Coding change: c.661G>A on transcript NM_000080.4 (MANE Select); coding-DNA position 661, G replaced by A.
Protein change: p.Ala221Thr; replaces alanine 221 with threonine.
Molecular consequence: missense variant. On other transcripts: 3 prime UTR variant (1).
Genome position (GRCh38, 1-based): chr17:4,901,131, C>T on the plus strand (G>A on the coding strand, the complement: CHRNE is on the minus strand). VCF-style: chr17-4901131-C-T. GRCh37 (hg19) VCF-style: chr17-4804426-C-T.
Other names: c.*598C>T (NM_001145536.2); short protein forms A221T.
Identifiers: ClinVar variation 1906872 (VCV001906872.3), dbSNP rs757240025, ClinGen allele CA8314293.